The following is an entry in ClinVar:

NM_002691.4(POLD1):c.841-7C>T

Gene: POLD1 (DNA polymerase delta 1, catalytic subunit; plus strand). Cytogenetic location: 19q13.33.
Variant type: single nucleotide variant.
Coding change: c.841-7C>T on transcript NM_002691.4 (MANE Select); 7 bases into the intron before coding-DNA position 841, C replaced by T.
Molecular consequence: intron variant.
Genome position (GRCh38, 1-based): chr19:50,402,605, C>T. VCF-style: chr19-50402605-C-T. GRCh37 (hg19) VCF-style: chr19-50905862-C-T.
Other names: c.841-7C>T (NM_001256849.1, NM_001308632.1).
Identifiers: ClinVar variation 1082000 (VCV001082000.10), dbSNP rs2122254736, ClinGen allele CA2499225558.

ClinVar aggregate classification (germline): Likely benign. Review status: criteria provided, multiple submitters, no conflicts (2 of 4 stars). 2 submissions from 2 submitters: Likely benign (2). Last evaluated 2025-02-04.

Conditions:
POLD1-related polyposis and colorectal cancer syndrome (CRCS10). Also called: Colorectal cancer, susceptibility to, 10; Colorectal cancer 10; COLORECTAL CANCER, SUSCEPTIBILITY TO, ON CHROMOSOME 19q. Identifiers: Orphanet 220460, MedGen C2675481, MONDO:0012953, OMIM 612591.

Allele frequency attached by ClinVar (database versions not stated): gnomAD exomes below 0.00001.
gnomAD v4.1: 1 of 1,572,116 alleles (0.000064%); highest among the groups gnomAD compares: Middle Eastern, 0.019%; no homozygotes.

Submissions (2):

Myriad Genetics, Inc.
Classification: Likely benign for POLD1-related polyposis and colorectal cancer syndrome. Last evaluated: 2025-02-04. Review status: criteria provided, single submitter. Criteria: Myriad Autosomal Dominant, Autosomal Recessive and X-Linked Classification Criteria (2023). Collection method: clinical testing. Allele origin: unknown.
Comment: This variant is considered likely benign. This variant is intronic and is not expected to impact mRNA splicing.

Labcorp Genetics (formerly Invitae), Labcorp
Classification: Likely benign for POLD1-related polyposis and colorectal cancer syndrome. Last evaluated: 2021-06-07. Review status: criteria provided, single submitter. Criteria: Invitae Variant Classification Sherloc (09022015). Collection method: clinical testing. Allele origin: germline.